The following is an entry in ClinVar:

ClinVar aggregate classification (germline): Uncertain significance (1 of 4 stars; one submission).

Conditions:
Epidermolysis bullosa simplex with nail dystrophy (EBS5D). Identifiers: MedGen C4225309, MONDO:0014661, OMIM 616487.
Epidermolysis bullosa simplex, Ogna type (EBS5A). Also called: Pidermolysis bullosa simplex 5A, Ogna type; EPIDERMOLYSIS BULLOSA SIMPLEX 5A, OGNA TYPE. Identifiers: Orphanet 79401, MedGen C0432317, MONDO:0007555, OMIM 131950.
Epidermolysis bullosa simplex 5B, with muscular dystrophy (EBS5B). Also called: Epidermolysis bullosa simplex with muscular dystrophy; EPIDERMOLYSIS BULLOSA SIMPLEX AND LIMB-GIRDLE MUSCULAR DYSTROPHY. Identifiers: Orphanet 257, MedGen C2931072, MONDO:0009181, OMIM 226670.
Autosomal recessive limb-girdle muscular dystrophy type 2Q (LGMDR17). Also called: MUSCULAR DYSTROPHY, LIMB-GIRDLE, AUTOSOMAL RECESSIVE 17. Identifiers: Orphanet 254361, MedGen C3150989, MONDO:0013390, OMIM 613723.
Epidermolysis bullosa simplex 5C, with pyloric atresia (EBS5C). Also called: PLEC-Related Epidermolysis Bullosa with Pyloric Atresia; Epidermolysis bullosa simplex with pyloric atresia; PLEC1-Related Epidermolysis Bullosa with Pyloric Atresia. Identifiers: Orphanet 158684, MedGen C2677349, MONDO:0012807, OMIM 612138.

Submission:

Labcorp Genetics (formerly Invitae), Labcorp
Classification: Uncertain significance for Autosomal recessive limb-girdle muscular dystrophy type 2Q; Epidermolysis bullosa simplex, Ogna type; Epidermolysis bullosa simplex with nail dystrophy; Epidermolysis bullosa simplex 5C, with pyloric atresia; Epidermolysis bullosa simplex 5B, with muscular dystrophy. Last evaluated: 2025-12-16. Review status: criteria provided, single submitter. Criteria: Invitae Variant Classification Sherloc (09022015). Collection method: clinical testing. Allele origin: germline.
Comment: This sequence change replaces glutamic acid, which is acidic and polar, with valine, which is neutral and non-polar, at codon 4207 of the PLEC protein (p.Glu4207Val). This variant is not present in population databases (gnomAD no frequency). This variant has not been reported in the literature in individuals affected with PLEC-related conditions. Invitae Evidence Modeling of protein sequence and biophysical properties (such as structural, functional, and spatial information, amino acid conservation, physicochemical variation, residue mobility, and thermodynamic stability) indicates that this missense variant is expected to disrupt PLEC protein function with a positive predictive value of 80%. In summary, the available evidence is currently insufficient to determine the role of this variant in disease. Therefore, it has been classified as a Variant of Uncertain Significance.

NM_201384.3(PLEC):c.12539A>T (p.Glu4180Val)

Gene: PLEC (plectin; minus strand). Cytogenetic location: 8q24.3.
Variant type: single nucleotide variant.
Coding change: c.12539A>T on transcript NM_201384.3 (MANE Select); coding-DNA position 12539, A replaced by T.
Protein change: p.Glu4180Val; replaces glutamic acid 4180 with valine.
Molecular consequence: missense variant.
Genome position (GRCh38, 1-based): chr8:143,917,282, T>A on the plus strand (A>T on the coding strand, the complement: PLEC is on the minus strand). VCF-style: chr8-143917282-T-A. GRCh37 (hg19) VCF-style: chr8-144991450-T-A.
Other names: c.12620A>T, p.Glu4207Val (NM_000445.5); c.9239A>T, p.Glu3080Val (NM_001410941.1); c.12497A>T, p.Glu4166Val (NM_201378.4); c.12473A>T, p.Glu4158Val (NM_201379.3); c.12950A>T, p.Glu4317Val (NM_201380.4); c.12443A>T, p.Glu4148Val (NM_201381.3); c.12539A>T, p.Glu4180Val (NM_201382.4); c.12551A>T, p.Glu4184Val (NM_201383.3); short protein forms E4180V, E3080V, E4158V, E4184V, E4207V, E4317V, E4148V, E4166V.
Identifiers: ClinVar variation 4782567 (VCV004782567.1).